The following is an entry in ClinVar:

ClinVar aggregate classification (germline): Uncertain significance (1 of 4 stars; one submission).

gnomAD v4.1: 7 of 1,599,290 alleles (0.00044%); highest among the groups gnomAD compares: Non-Finnish European, 0.00059%; no homozygotes.

Submission:

CeGaT Center for Human Genetics Tuebingen
Classification: Uncertain significance. Last evaluated: 2026-02-01. Review status: criteria provided, single submitter. Criteria: CeGaT Center For Human Genetics Tuebingen Variant Classification Criteria Version 2. Collection method: clinical testing. Allele origin: germline. Affected: yes. Observed: 1 variant allele.
Comment: PDE4D: PM2, BP4

NM_001349243.2(PDE4D):c.-336C>T

Gene: PDE4D (phosphodiesterase 4D; minus strand). Cytogenetic location: 5q12.1.
Variant type: single nucleotide variant.
Coding change: c.-336C>T on transcript NM_001349243.2; 336 bases upstream of the start codon, C replaced by T.
Molecular consequence: 5 prime UTR variant. On other transcripts: missense variant (4).
Genome position (GRCh38, 1-based): chr5:59,988,584, G>A on the plus strand (C>T on the coding strand, the complement: PDE4D is on the minus strand). VCF-style: chr5-59988584-G-A. GRCh37 (hg19) VCF-style: chr5-59284411-G-A.
Other names: c.176C>T, p.Ala59Val (NM_001165899.2, NM_001364599.1, NM_001364600.2); c.146C>T, p.Ala49Val (NM_001349241.2); short protein forms A49V, A59V.
Identifiers: ClinVar variation 4822569 (VCV004822569.4).
Genomic context (GRCh38, chr5:59,988,584, plus strand): 5'-AGAATCTTCAGGGGGAGGCTGGTTGGTCGTTGAATGTTCTCTGATTCACTTTTCAAGTCA[G>A]CTTGTTCCAACTGTCTGAAGGCGAGAGGGGGAAGCTGAATATTGCGACATGAAAGTCTCC-3'